The following is an entry in ClinVar:

ClinVar aggregate classification (germline): Uncertain significance (1 of 4 stars; one submission).

Conditions:
Long QT syndrome (LQTS). Identifiers: MedGen C0023976, MeSH D008133, MONDO:0002442. Disease mechanism: loss of function. Inheritance: Various modes of inheritance.

gnomAD v4.1: 1 of 1,613,632 alleles (0.000062%); highest among the groups gnomAD compares: Non-Finnish European, 0.000085%; no homozygotes.

Submission:

Labcorp Genetics (formerly Invitae), Labcorp
Classification: Uncertain significance for Long QT syndrome. Last evaluated: 2025-09-03. Review status: criteria provided, single submitter. Criteria: Invitae Variant Classification Sherloc (09022015). Collection method: clinical testing. Allele origin: germline.
Comment: This sequence change replaces arginine, which is basic and polar, with leucine, which is neutral and non-polar, at codon 858 of the CACNA1C protein (p.Arg858Leu). This variant is not present in population databases (gnomAD no frequency). This missense change has been observed in individual(s) with Brugada syndrome (PMID: 34999275). ClinVar contains an entry for this variant (Variation ID: 1941408). Invitae Evidence Modeling of protein sequence and biophysical properties (such as structural, functional, and spatial information, amino acid conservation, physicochemical variation, residue mobility, and thermodynamic stability) has been performed for this missense variant. However, the output from this modeling did not meet the statistical confidence thresholds required to predict the impact of this variant on CACNA1C protein function. This variant disrupts the p.Arg858 amino acid residue in CACNA1C. Other variant(s) that disrupt this residue have been determined to be pathogenic (PMID: 23174487, 23631430, 24728418, 30345660). This suggests that this residue is clinically significant, and that variants that disrupt this residue are likely to be disease-causing. In summary, the available evidence is currently insufficient to determine the role of this variant in disease. Therefore, it has been classified as a Variant of Uncertain Significance.

Literature cited by the submitters: PubMed 34999275; PubMed 23174487; PubMed 23631430; PubMed 24728418; PubMed 30345660.

NM_000719.7(CACNA1C):c.2573G>T (p.Arg858Leu)

Gene: CACNA1C (calcium voltage-gated channel subunit alpha1 C; plus strand). Cytogenetic location: 12p13.33.
Variant type: single nucleotide variant.
Coding change: c.2573G>T on transcript NM_000719.7 (MANE Select); coding-DNA position 2573, G replaced by T.
Protein change: p.Arg858Leu; replaces arginine 858 with leucine.
Molecular consequence: missense variant.
Genome position (GRCh38, 1-based): chr12:2,593,255, G>T. VCF-style: chr12-2593255-G-T. GRCh37 (hg19) VCF-style: chr12-2702421-G-T.
Other names: c.2573G>T, p.Arg858Leu (NM_001129827.2, NM_001129829.2, NM_001129830.3 and 18 more transcripts); c.2564G>T, p.Arg855Leu (NM_001129844.2); short protein forms R858L, R855L.
Identifiers: ClinVar variation 1941408 (VCV001941408.5), dbSNP rs786205753, ClinGen allele CA383372154.